The following is an entry in ClinVar:

ClinVar aggregate classification (germline): Uncertain significance. Review status: criteria provided, multiple submitters, no conflicts (2 of 4 stars). 2 submissions from 2 submitters: Uncertain significance (2). Last evaluated 2024-09-26.

Conditions:
Inborn genetic diseases. Identifiers: MedGen C0950123, MeSH D030342.

Allele frequency attached by ClinVar (database versions not stated): gnomAD 0.00001; gnomAD exomes 0.00002; TOPMed 0.00002; ExAC 0.00003; ESP Exome Variant Server 0.00008.

Submissions (2):

Ambry Genetics
Classification: Uncertain significance for Inborn genetic diseases. Last evaluated: 2024-09-26. Review status: criteria provided, single submitter. Criteria: Ambry Variant Classification Scheme 2023. Collection method: clinical testing. Allele origin: germline.

Labcorp Genetics (formerly Invitae), Labcorp
Classification: Uncertain significance. Last evaluated: 2021-12-20. Review status: criteria provided, single submitter. Criteria: Invitae Variant Classification Sherloc (09022015). Collection method: clinical testing. Allele origin: germline.
Comment: This sequence change replaces serine, which is neutral and polar, with leucine, which is neutral and non-polar, at codon 501 of the TELO2 protein (p.Ser501Leu). This variant is present in population databases (rs377430333, gnomAD 0.01%). This variant has not been reported in the literature in individuals affected with TELO2-related conditions. Algorithms developed to predict the effect of missense changes on protein structure and function (SIFT, PolyPhen-2, Align-GVGD) all suggest that this variant is likely to be disruptive. In summary, the available evidence is currently insufficient to determine the role of this variant in disease. Therefore, it has been classified as a Variant of Uncertain Significance.

NM_016111.4(TELO2):c.1502C>T (p.Ser501Leu)

Gene: TELO2 (telomere maintenance 2; plus strand). Cytogenetic location: 16p13.3.
Variant type: single nucleotide variant.
Coding change: c.1502C>T on transcript NM_016111.4 (MANE Select); coding-DNA position 1502, C replaced by T.
Protein change: p.Ser501Leu; replaces serine 501 with leucine.
Molecular consequence: missense variant.
Genome position (GRCh38, 1-based): chr16:1,502,076, C>T. VCF-style: chr16-1502076-C-T. GRCh37 (hg19) VCF-style: chr16-1552077-C-T.
Other names: c.1502C>T, p.Ser501Leu (NM_001351846.2); c.1502C>T (NM_016111.3); short protein forms S501L.
Identifiers: ClinVar variation 1353156 (VCV001353156.4), dbSNP rs377430333, ClinGen allele CA7812181.